The following is an entry in ClinVar:

NM_001130004.2(ACTN1):c.2129T>A (p.Met710Lys)

Gene: ACTN1 (actinin alpha 1; minus strand). Cytogenetic location: 14q24.1.
Variant type: single nucleotide variant.
Coding change: c.2129T>A on transcript NM_001130004.2 (MANE Select); coding-DNA position 2129, T replaced by A.
Protein change: p.Met710Lys; replaces methionine 710 with lysine.
Molecular consequence: missense variant.
Genome position (GRCh38, 1-based): chr14:68,880,814, A>T on the plus strand (T>A on the coding strand, the complement: ACTN1 is on the minus strand). VCF-style: chr14-68880814-A-T. GRCh37 (hg19) VCF-style: chr14-69347531-A-T.
Other names: c.2129T>A, p.Met710Lys (NM_001130005.2, NM_001424012.1, NM_001424014.1 and 2 more transcripts); c.2153T>A, p.Met718Lys (NM_001411035.1, NM_001424016.1); c.1934T>A, p.Met645Lys (NM_001411036.1, NM_001424026.1, NM_001424028.1); c.2255T>A, p.Met752Lys (NM_001424013.1); c.2216T>A, p.Met739Lys (NM_001424015.1); c.2126T>A, p.Met709Lys (NM_001424017.1); c.2090T>A, p.Met697Lys (NM_001424018.1); c.1946T>A, p.Met649Lys (NM_001424019.1, NM_001424024.1, NM_001424025.1 and 2 more transcripts); and 3 more; short protein forms M689K, M709K, M739K, M687K, M718K, M435K, M649K, M710K.
Identifiers: ClinVar variation 4746536 (VCV004746536.1).

ClinVar aggregate classification (germline): Uncertain significance (1 of 4 stars; one submission).

Submission:

Labcorp Genetics (formerly Invitae), Labcorp
Classification: Uncertain significance. Last evaluated: 2025-09-09. Review status: criteria provided, single submitter. Criteria: Invitae Variant Classification Sherloc (09022015). Collection method: clinical testing. Allele origin: germline.
Comment: This sequence change replaces methionine, which is neutral and non-polar, with lysine, which is basic and polar, at codon 710 of the ACTN1 protein (p.Met710Lys). This variant is not present in population databases (gnomAD no frequency). This variant has not been reported in the literature in individuals affected with ACTN1-related conditions. Invitae Evidence Modeling of protein sequence and biophysical properties (such as structural, functional, and spatial information, amino acid conservation, physicochemical variation, residue mobility, and thermodynamic stability) indicates that this missense variant is expected to disrupt ACTN1 protein function with a positive predictive value of 80%. In summary, the available evidence is currently insufficient to determine the role of this variant in disease. Therefore, it has been classified as a Variant of Uncertain Significance.